The following is an entry in ClinVar:

ClinVar aggregate classification (germline): Uncertain significance (1 of 4 stars; one submission).

gnomAD v4.1: 2 of 1,614,136 alleles (0.00012%); no homozygotes.

Submission:

Labcorp Genetics (formerly Invitae), Labcorp
Classification: Uncertain significance. Last evaluated: 2023-05-15. Review status: criteria provided, single submitter. Criteria: Invitae Variant Classification Sherloc (09022015). Collection method: clinical testing. Allele origin: germline.
Comment: In summary, the available evidence is currently insufficient to determine the role of this variant in disease. Therefore, it has been classified as a Variant of Uncertain Significance. Advanced modeling of protein sequence and biophysical properties (such as structural, functional, and spatial information, amino acid conservation, physicochemical variation, residue mobility, and thermodynamic stability) performed at Invitae indicates that this missense variant is expected to disrupt LRP2 protein function. ClinVar contains an entry for this variant (Variation ID: 1419061). This variant has not been reported in the literature in individuals affected with LRP2-related conditions. This variant is not present in population databases (gnomAD no frequency). This sequence change replaces serine, which is neutral and polar, with proline, which is neutral and non-polar, at codon 2132 of the LRP2 protein (p.Ser2132Pro).

NM_004525.3(LRP2):c.6394T>C (p.Ser2132Pro)

Gene: LRP2 (LDL receptor related protein 2; minus strand). Cytogenetic location: 2q31.1.
Variant type: single nucleotide variant.
Coding change: c.6394T>C on transcript NM_004525.3 (MANE Select); coding-DNA position 6394, T replaced by C.
Protein change: p.Ser2132Pro; replaces serine 2132 with proline.
Molecular consequence: missense variant.
Genome position (GRCh38, 1-based): chr2:169,209,528, A>G on the plus strand (T>C on the coding strand, the complement: LRP2 is on the minus strand). VCF-style: chr2-169209528-A-G. GRCh37 (hg19) VCF-style: chr2-170066038-A-G.
Other names: short protein forms S2132P.
Identifiers: ClinVar variation 1419061 (VCV001419061.6), dbSNP rs2105337080, ClinGen allele CA349129026.